The following is an entry in ClinVar:

ClinVar aggregate classification (germline): Pathogenic (1 of 4 stars; one submission).

Conditions:
Hereditary diffuse gastric adenocarcinoma (HDGC). Also called: DIFFUSE GASTRIC AND LOBULAR BREAST CANCER SYNDROME. Identifiers: Orphanet 26106, MedGen C1708349, MONDO:0007648, OMIM 137215.

Submission:

Labcorp Genetics (formerly Invitae), Labcorp
Classification: Pathogenic for Hereditary diffuse gastric adenocarcinoma. Last evaluated: 2019-11-18. Review status: criteria provided, single submitter. Criteria: Invitae Variant Classification Sherloc (09022015). Collection method: clinical testing. Allele origin: germline.
Comment: For these reasons, this variant has been classified as Pathogenic. Loss-of-function variants in CDH1 are known to be pathogenic (PMID: 15235021, 20373070). This variant has not been reported in the literature in individuals with CDH1-related conditions. This variant is not present in population databases (ExAC no frequency). This sequence change creates a premature translational stop signal (p.Ala563Argfs*3) in the CDH1 gene. It is expected to result in an absent or disrupted protein product.

Literature cited by the submitters: PubMed 15235021; PubMed 20373070.

NM_004360.5(CDH1):c.1686_1687insCG (p.Ala563fs)

Gene: CDH1 (cadherin 1; plus strand). Cytogenetic location: 16q22.1.
Variant type: Insertion.
Coding change: c.1686_1687insCG on transcript NM_004360.5 (MANE Select); coding-DNA positions 1686 to 1687, CG inserted.
Protein change: p.Ala563fs; shifts the reading frame from alanine 563.
Molecular consequence: frameshift variant. On other transcripts: intron variant (1).
Genome position: GRCh38 VCF-style: chr16-68819400-A-ACG. GRCh37 (hg19) VCF-style: chr16-68853303-A-ACG.
Other names: c.1503_1504insCG, p.Ala502fs (NM_001317184.2); c.138_139insCG, p.Ala47fs (NM_001317185.2); c.-254-2601_-254-2600insCG (NM_001317186.2); short protein forms A563fs, A502fs, A47fs.
Identifiers: ClinVar variation 838029 (VCV000838029.8), dbSNP rs1961079421, ClinGen allele CA916081832.
Genomic context (GRCh38, chr16:68,819,400, plus strand): 5'-TTCCACTCGGGCTGAGCTGGACAGGGAGGATTTTGAGCACGTGAAGAACAGCACGTACAC[A>ACG]GCCCTAATCATAGCTACAGACAATGGTAAGGGGGCCTCATCTGAGCCTTTGCTGCCTCGA-3'